The following is an entry in ClinVar:

NM_024989.4(PGAP1):c.1869C>A (p.Cys623Ter)

Gene: PGAP1 (post-GPI attachment to proteins inositol deacylase 1; minus strand). Cytogenetic location: 2q33.1.
Variant type: single nucleotide variant.
Coding change: c.1869C>A on transcript NM_024989.4 (MANE Select); coding-DNA position 1869, C replaced by A.
Protein change: p.Cys623Ter; replaces cysteine 623 with a stop codon.
Molecular consequence: nonsense.
Genome position (GRCh38, 1-based): chr2:196,848,030, G>T on the plus strand (C>A on the coding strand, the complement: PGAP1 is on the minus strand). VCF-style: chr2-196848030-G-T. GRCh37 (hg19) VCF-style: chr2-197712754-G-T.
Other names: c.1347C>A, p.Cys449Ter (NM_001321099.2); c.702C>A, p.Cys234Ter (NM_001321100.2); short protein forms C234*, C449*, C623*.
Identifiers: ClinVar variation 4292408 (VCV004292408.1).
Genomic context (GRCh38, chr2:196,848,030, plus strand): 5'-TACAAAAGGATCAACTTTGTATGGTTTGGCTTCTTTATCCAACATGGTAGCATATTCTAA[G>T]CAACAACCTGGTGATTTAAAAAAAGTTACATGCAATTTACAGTAATTAAGTATGAGATAT-3'

ClinVar aggregate classification (germline): Pathogenic (1 of 4 stars; one submission).

Conditions:
Intellectual disability, autosomal recessive 42 (NEDDSBA). Also called: GLYCOSYLPHOSPHATIDYLINOSITOL BIOSYNTHESIS DEFECT 9; Neurodevelopmental disorder with dysmorphic features, spasticity, and brain abnormalities. Identifiers: Orphanet 88616, MedGen C4014343, MONDO:0014348, OMIM 615802.

Submission:

3billion
Classification: Pathogenic for Intellectual disability, autosomal recessive 42. Last evaluated: 2024-06-26. Review status: criteria provided, single submitter. Criteria: ACMG Guidelines, 2015. Collection method: clinical testing. Allele origin: germline. Affected: yes.
Comment: The variant is not observed in the gnomAD v4.0.0 dataset. Predicted Consequence/Location: Stop-gained (nonsense): predicted to result in a loss or disruption of normal protein function through nonsense-mediated decay (NMD) or protein truncation. Multiple pathogenic variants are reported downstream of the variant. Therefore, this variant is classified as Pathogenic according to the recommendation of ACMG/AMP guideline.